The following is an entry in ClinVar:

ClinVar aggregate classification (germline): Uncertain significance (1 of 4 stars; one submission).

Conditions:
Infantile-onset ascending hereditary spastic paralysis (IAHSP). Also called: Autosomal Recessive Juvenile Amyotrophic Lateral Sclerosis; Infantile-Onset Ascending Hereditary Spastic Paralysis (IAHSP). Identifiers: Orphanet 293168, MedGen C2931441, MONDO:0011797, OMIM 607225. Disease mechanism: loss of function.

Allele frequency attached by ClinVar (database versions not stated): gnomAD exomes below 0.00001.
gnomAD v4.1: 1 of 1,614,198 alleles (0.000062%); highest among the groups gnomAD compares: South Asian, 0.0011%; no homozygotes.

Submission:

Labcorp Genetics (formerly Invitae), Labcorp
Classification: Uncertain significance for Infantile-onset ascending hereditary spastic paralysis. Last evaluated: 2022-03-25. Review status: criteria provided, single submitter. Criteria: Invitae Variant Classification Sherloc (09022015). Collection method: clinical testing. Allele origin: germline.
Comment: This variant has not been reported in the literature in individuals affected with ALS2-related conditions. This variant is not present in population databases (gnomAD no frequency). This sequence change replaces threonine, which is neutral and polar, with isoleucine, which is neutral and non-polar, at codon 282 of the ALS2 protein (p.Thr282Ile). In summary, the available evidence is currently insufficient to determine the role of this variant in disease. Therefore, it has been classified as a Variant of Uncertain Significance. Algorithms developed to predict the effect of missense changes on protein structure and function are either unavailable or do not agree on the potential impact of this missense change (SIFT: "Deleterious"; PolyPhen-2: "Benign"; Align-GVGD: "Class C0").

NM_020919.4(ALS2):c.845C>T (p.Thr282Ile)

Gene: ALS2 (alsin Rho guanine nucleotide exchange factor ALS2; minus strand). Cytogenetic location: 2q33.1.
Variant type: single nucleotide variant.
Coding change: c.845C>T on transcript NM_020919.4 (MANE Select); coding-DNA position 845, C replaced by T.
Protein change: p.Thr282Ile; replaces threonine 282 with isoleucine.
Molecular consequence: missense variant.
Genome position (GRCh38, 1-based): chr2:201,761,149, G>A on the plus strand (C>T on the coding strand, the complement: ALS2 is on the minus strand). VCF-style: chr2-201761149-G-A. GRCh37 (hg19) VCF-style: chr2-202625872-G-A.
Other names: c.845C>T, p.Thr282Ile (NM_001135745.2, NM_001410975.1); short protein forms T282I.
Identifiers: ClinVar variation 2116768 (VCV002116768.4), dbSNP rs2469914820, ClinGen allele CA350327972.